The following is an entry in ClinVar:

NM_001267550.2(TTN):c.77546C>G (p.Ser25849Ter)

Genes: TTN (titin; minus strand), TTN-AS1 (TTN antisense RNA 1; plus strand). Cytogenetic location: 2q31.2.
Variant type: single nucleotide variant.
Coding change: c.77546C>G on transcript NM_001267550.2 (MANE Select); coding-DNA position 77546, C replaced by G.
Protein change: p.Ser25849Ter; replaces serine 25849 with a stop codon.
Molecular consequence: nonsense.
Genome position (GRCh38, 1-based): chr2:178,568,586, G>C on the plus strand (C>G on the coding strand, the complement: TTN is on the minus strand). VCF-style: chr2-178568586-G-C. GRCh37 (hg19) VCF-style: chr2-179433313-G-C.
Other names: c.72623C>G, p.Ser24208Ter (NM_001256850.1); c.50351C>G, p.Ser16784Ter (NM_003319.4); c.69842C>G, p.Ser23281Ter (NM_133378.4); c.50726C>G, p.Ser16909Ter (NM_133432.3); c.50927C>G, p.Ser16976Ter (NM_133437.4); short protein forms S16784*, S16909*, S16976*, S23281*, S24208*, S25849*.
Identifiers: ClinVar variation 2076211 (VCV002076211.5), dbSNP rs2468369853, ClinGen allele CA349610034.
Genomic context (GRCh38, chr2:178,568,586, plus strand): 5'-CCATATTGTCCACCATCATCCTTATGAGTTTCTTTAATACTGAGTGTGGTGAGATCCAGT[G>C]AATCGGTAACATTGATTCTTGTGGTCTGCTTCAGTGGGAGACCATCTTTAGTCCAGGTAA-3'

ClinVar aggregate classification (germline): Likely pathogenic. Review status: criteria provided, multiple submitters, no conflicts (2 of 4 stars). 2 submissions from 2 submitters: Likely pathogenic (2). Last evaluated 2025-11-26.

Conditions:
Autosomal recessive limb-girdle muscular dystrophy type 2J (LGMDR10). Also called: Limb-girdle muscular dystrophy, type 2J; MUSCULAR DYSTROPHY, LIMB-GIRDLE, AUTOSOMAL RECESSIVE 10. Identifiers: Orphanet 140922, MedGen C1837342, MONDO:0012127, OMIM 608807.
Dilated cardiomyopathy 1G (CMD1G). Identifiers: Orphanet 154, MedGen C1858763, MONDO:0011400, OMIM 604145.
TTN-related disorder. Also called: TTN-related disorders; TTN-related condition; TTN-related disease.

Submissions (2):

PreventionGenetics, part of Exact Sciences
Classification: Likely pathogenic for TTN-related condition. Last evaluated: 2025-11-26. Review status: criteria provided, single submitter. Criteria: ACMG Guidelines, 2015. Collection method: clinical testing. Allele origin: germline.
Comment: The TTN c.77546C>G variant is predicted to result in premature protein termination (p.Ser25849*). To our knowledge, this variant has not been reported in the literature or in a large population database (gnomAD), indicating this variant is rare. This variant is located in the A-band region of the protein in which truncating TTN variants have been found more frequently in dilated cardiomyopathy patients than in controls (Herman et al. 2012. PubMed ID: 22335739). RNAseq studies from heart tissue indicate this exon is commonly included in TTN mRNA transcripts (PSI of 95%-100%, Roberts et al. 2015. PubMed ID: 25589632). TTN loss-of-function variants occurring in constitutively expressed exons (PSI > 90%) are more likely to be disease causing for TTN cardiac-related disorders regardless of band location (Roberts et al. 2015. PubMed ID: 25589632; Schafer et al. 2017. PubMed ID: 27869827; Akhtar et al. 2020. PubMed ID: 32964742). Many cases of recessive TTN-related myopathies in which the individual is compound heterozygous for two loss-of-function variants in TTN have also been reported (Oates et al. 2018. PubMed ID: 29691892; Ge et al. 2019. PubMed ID: 31053406; Rees et al. 2021. PubMed ID: 33449170). In summary, this variant is categorized as likely pathogenic. Of note, this variant is considered likely pathogenic for increased risk of TTN-related cardiac disorders, and also for autosomal recessive TTN-related congenital titinopathies.

Labcorp Genetics (formerly Invitae), Labcorp
Classification: Likely pathogenic for Dilated cardiomyopathy 1G; Autosomal recessive limb-girdle muscular dystrophy type 2J. Last evaluated: 2022-05-05. Review status: criteria provided, single submitter. Criteria: Invitae Variant Classification Sherloc (09022015). Collection method: clinical testing. Allele origin: germline.
Comment: In summary, the currently available evidence indicates that the variant is pathogenic, but additional data are needed to prove that conclusively. Therefore, this variant has been classified as Likely Pathogenic. This variant is located in the A band of TTN (PMID: 25589632). Truncating variants in this region are significantly overrepresented in patients affected with dilated cardiomyopathy (PMID: 25589632). Truncating variants in this region have also been reported in individuals affected with autosomal recessive centronuclear myopathy (PMID: 23975875). This variant has not been reported in the literature in individuals affected with TTN-related conditions. This variant is not present in population databases (gnomAD no frequency). This sequence change creates a premature translational stop signal (p.Ser25849*) in the TTN gene. While this is not anticipated to result in nonsense mediated decay, it is expected to disrupt the last 10143 amino acid(s) of the TTN protein.

Literature cited by the submitters: PubMed 25589632 (cited by Labcorp Genetics (formerly Invitae), Labcorp); PubMed 23975875 (cited by Labcorp Genetics (formerly Invitae), Labcorp).